The following is an entry in ClinVar:

NM_001348323.3(TRIP12):c.1148G>T (p.Gly383Val)

Gene: TRIP12 (thyroid hormone receptor interactor 12; minus strand). Cytogenetic location: 2q36.3.
Variant type: single nucleotide variant.
Coding change: c.1148G>T on transcript NM_001348323.3 (MANE Select); coding-DNA position 1148, G replaced by T.
Protein change: p.Gly383Val; replaces glycine 383 with valine.
Molecular consequence: missense variant.
Genome position (GRCh38, 1-based): chr2:229,836,970, C>A on the plus strand (G>T on the coding strand, the complement: TRIP12 is on the minus strand). VCF-style: chr2-229836970-C-A. GRCh37 (hg19) VCF-style: chr2-230701686-C-A.
Other names: c.1148G>T, p.Gly383Val (NM_001284214.2, NM_001348315.2, NM_001348319.1 and 13 more transcripts); c.1022G>T, p.Gly341Val (NM_001284215.2, NM_001348316.2, NM_001348317.1 and 3 more transcripts); c.113G>T, p.Gly38Val (NM_001284216.2); c.1061G>T, p.Gly354Val (NM_001348332.1, NM_001348334.1); short protein forms G341V, G354V, G383V, G38V.
Identifiers: ClinVar variation 3366003 (VCV003366003.1).

ClinVar aggregate classification (germline): Uncertain significance (1 of 4 stars; one submission).

Submission:

GeneDx
Classification: Uncertain significance. Last evaluated: 2023-10-10. Review status: criteria provided, single submitter. Criteria: GeneDx Variant Classification Process June 2021. Collection method: clinical testing. Allele origin: germline. Affected: yes.
Comment: Not observed at significant frequency in large population cohorts (gnomAD); In silico analysis supports that this missense variant has a deleterious effect on protein structure/function; Has not been previously published as pathogenic or benign to our knowledge